The following is an entry in ClinVar:

NM_003590.5(CUL3):c.1276del (p.Asp426fs)

Gene: CUL3 (cullin 3; minus strand). Cytogenetic location: 2q36.2.
Variant type: Deletion.
Coding change: c.1276del on transcript NM_003590.5 (MANE Select); coding-DNA position 1276, one base deleted (G; older notation c.1276delG).
Protein change: p.Asp426fs; shifts the reading frame from aspartic acid 426.
Molecular consequence: frameshift variant.
Genome position (GRCh38, 1-based): chr2:224,503,753, C deleted on the plus strand (G on the coding strand, the reverse complement: CUL3 is on the minus strand). VCF-style (leftmost placement, unchanged base first): chr2-224503752-TC-T. GRCh37 (hg19) VCF-style: chr2-225368469-TC-T.
Other names: c.1078del, p.Asp360fs (NM_001257197.2); c.1294del, p.Asp432fs (NM_001257198.2); short protein forms D360fs, D426fs, D432fs.
Identifiers: ClinVar variation 4236086 (VCV004236086.1).

ClinVar aggregate classification (germline): Pathogenic (1 of 4 stars; one submission).

Conditions:
Inborn genetic diseases. Identifiers: MedGen C0950123, MeSH D030342.

Submission:

Ambry Genetics
Classification: Pathogenic for Inborn genetic diseases. Last evaluated: 2025-07-17. Review status: criteria provided, single submitter. Criteria: Ambry Variant Classification Scheme 2023. Collection method: clinical testing. Allele origin: germline.
Comment: The c.1276delG (p.D426Mfs*29) alteration, located in exon 9 (coding exon 9) of the CUL3 gene, consists of a deletion of one nucleotide at position 1276, causing a translational frameshift with a predicted alternate stop codon after 29 amino acids. This alteration is expected to result in loss of function by premature protein truncation or nonsense-mediated mRNA decay. for CUL3-related neurodevelopmental disorder; however, its clinical significance for CUL3-related pseudohypoaldosteronism type II is uncertain. This variant was not reported in population-based cohorts in the Genome Aggregation Database (gnomAD). Based on the available evidence, this alteration is classified as pathogenic.